The following is an entry in ClinVar:

NM_001378615.1(CC2D2A):c.241C>G (p.Pro81Ala)

Genes: CC2D2A (coiled-coil and C2 domain containing 2A; plus strand), FBXL5 (F-box and leucine rich repeat protein 5; minus strand). Cytogenetic location: 4p15.32.
Variant type: single nucleotide variant.
Coding change: c.241C>G on transcript NM_001378615.1 (MANE Select); coding-DNA position 241, C replaced by G.
Protein change: p.Pro81Ala; replaces proline 81 with alanine.
Molecular consequence: missense variant.
Genome position (GRCh38, 1-based): chr4:15,480,821, C>G. VCF-style: chr4-15480821-C-G. GRCh37 (hg19) VCF-style: chr4-15482445-C-G.
Other names: c.241C>G, p.Pro81Ala (NM_001080522.2, NM_001164720.3); c.94C>G, p.Pro32Ala (NM_001378617.1); c.347C>G, p.Pro116Arg (NM_020785.2); short protein forms P81A, P32A, P116R.
Identifiers: ClinVar variation 2004847 (VCV002004847.4), dbSNP rs2474831164, ClinGen allele CA356407811.

ClinVar aggregate classification (germline): Uncertain significance (1 of 4 stars; one submission).

Conditions:
Joubert syndrome. Also called: JOUBERT-BOLTSHAUSER SYNDROME; Familial aplasia of the vermis. Identifiers: Orphanet 475, MedGen C5979921, MONDO:0018772.
Meckel-Gruber syndrome. Also called: DYSENCEPHALIA SPLANCHNOCYSTICA; GRUBER SYNDROME; Dysencephalia splachnocystica. Identifiers: Orphanet 564, MedGen C0265215, MONDO:0018921.

Allele frequency attached by ClinVar (database versions not stated): gnomAD exomes below 0.00001.
gnomAD v4.1: 1 of 1,611,774 alleles (0.000062%); highest among the groups gnomAD compares: Middle Eastern, 0.017%; no homozygotes.

Submission:

Labcorp Genetics (formerly Invitae), Labcorp
Classification: Uncertain significance for Joubert syndrome; Meckel-Gruber syndrome. Last evaluated: 2022-06-11. Review status: criteria provided, single submitter. Criteria: Invitae Variant Classification Sherloc (09022015). Collection method: clinical testing. Allele origin: germline.
Comment: This sequence change replaces proline, which is neutral and non-polar, with alanine, which is neutral and non-polar, at codon 81 of the CC2D2A protein (p.Pro81Ala). This variant is not present in population databases (gnomAD no frequency). This variant has not been reported in the literature in individuals affected with CC2D2A-related conditions. Advanced modeling of protein sequence and biophysical properties (such as structural, functional, and spatial information, amino acid conservation, physicochemical variation, residue mobility, and thermodynamic stability) performed at Invitae indicates that this missense variant is not expected to disrupt CC2D2A protein function. In summary, the available evidence is currently insufficient to determine the role of this variant in disease. Therefore, it has been classified as a Variant of Uncertain Significance.